The following is an entry in ClinVar:

NM_130839.5(UBE3A):c.1439T>C (p.Ile480Thr)

Genes: SNHG14 (small nucleolar RNA host gene 14; plus strand), UBE3A (ubiquitin protein ligase E3A; minus strand). Cytogenetic location: 15q11.2.
Variant type: single nucleotide variant.
Coding change: c.1439T>C on transcript NM_130839.5 (MANE Select); coding-DNA position 1439, T replaced by C.
Protein change: p.Ile480Thr; replaces isoleucine 480 with threonine.
Molecular consequence: missense variant. On other transcripts: non-coding transcript variant (1), intron variant (2).
Genome position (GRCh38, 1-based): chr15:25,370,735, A>G on the plus strand (T>C on the coding strand, the complement: UBE3A is on the minus strand). VCF-style: chr15-25370735-A-G. GRCh37 (hg19) VCF-style: chr15-25615882-A-G.
Other names: c.1379T>C, p.Ile460Thr (NM_001354507.2, NM_001354508.2, NM_001354509.2 and 17 more transcripts); c.1439T>C, p.Ile480Thr (NM_001354538.2, NM_001354545.2, NM_001354505.1); c.1262T>C, p.Ile421Thr (NM_001354546.2); c.301+4730T>C (NM_001354551.2); c.361+4730T>C (NM_001354550.2); c.1448T>C, p.Ile483Thr (NM_000462.5); short protein forms I421T, I480T, I460T, I483T.
Identifiers: ClinVar variation 2699093 (VCV002699093.3), dbSNP rs2552191491, ClinGen allele CA391353591.

ClinVar aggregate classification (germline): Uncertain significance (1 of 4 stars; one submission).

Conditions:
Angelman syndrome (AS). Also called: HAPPY PUPPET SYNDROME. Identifiers: Orphanet 72, MedGen C0162635, MONDO:0007113, OMIM 105830. Disease mechanism: loss of function. Inheritance: imprinting disorder, AS is caused by disruption of maternally imprinted UBE3A located within the 15q11.2-q13 Angelman syndrome/Prader-Willi syndrome (AS/PWS) region..

Allele frequency attached by ClinVar (database versions not stated): gnomAD exomes below 0.00001.
gnomAD v4.1: 1 of 1,614,184 alleles (0.000062%); highest among the groups gnomAD compares: Non-Finnish European, 0.000085%; no homozygotes.

Submission:

Labcorp Genetics (formerly Invitae), Labcorp
Classification: Uncertain significance for Angelman syndrome. Last evaluated: 2023-12-06. Review status: criteria provided, single submitter. Criteria: Invitae Variant Classification Sherloc (09022015). Collection method: clinical testing. Allele origin: germline.
Comment: This sequence change replaces isoleucine, which is neutral and non-polar, with threonine, which is neutral and polar, at codon 460 of the UBE3A protein (p.Ile460Thr). This variant is not present in population databases (gnomAD no frequency). This variant has not been reported in the literature in individuals affected with UBE3A-related conditions. Advanced modeling of protein sequence and biophysical properties (such as structural, functional, and spatial information, amino acid conservation, physicochemical variation, residue mobility, and thermodynamic stability) performed at Invitae indicates that this missense variant is expected to disrupt UBE3A protein function with a positive predictive value of 95%. In summary, the available evidence is currently insufficient to determine the role of this variant in disease. Therefore, it has been classified as a Variant of Uncertain Significance.